The following is an entry in ClinVar:

ClinVar aggregate classification (germline): Uncertain significance. Review status: criteria provided, multiple submitters, no conflicts (2 of 4 stars). 4 submissions from 4 submitters: Uncertain significance (4). Last evaluated 2024-10-26.

Conditions:
CEP250-related disorder. Also called: CEP250-related condition.

Allele frequency attached by ClinVar (database versions not stated): ExAC 0.00002; gnomAD exomes 0.00002; TOPMed 0.00005; gnomAD 0.00006; ESP Exome Variant Server 0.00015; 1000 Genomes Project 0.00020; 1000 Genomes Project 30x 0.00031.
gnomAD v4.1: 179 of 1,614,172 alleles (0.011%); highest among the groups gnomAD compares: Non-Finnish European, 0.014%; no homozygotes.

Submissions (4):

PreventionGenetics, part of Exact Sciences
Classification: Uncertain significance for CEP250-related condition. Last evaluated: 2024-10-26. Review status: criteria provided, single submitter. Criteria: ACMG Guidelines, 2015. Collection method: clinical testing. Allele origin: germline.
Comment: The CEP250 c.6307C>G variant is predicted to result in the amino acid substitution p.Leu2103Val. To our knowledge, this variant has not been reported in the literature. This variant is reported in 0.0031% of alleles in individuals of European (Non-Finnish) descent in gnomAD. At this time, the clinical significance of this variant is uncertain due to the absence of conclusive functional and genetic evidence.

Blueprint Genetics
Classification: Uncertain significance. Last evaluated: 2024-08-19. Review status: criteria provided, single submitter. Criteria: ACMG Guidelines, 2015. Collection method: clinical testing. Allele origin: germline.

Ambry Genetics
Classification: Uncertain significance. Last evaluated: 2024-06-26. Review status: criteria provided, single submitter. Criteria: Ambry Variant Classification Scheme 2023. Collection method: clinical testing. Allele origin: germline.

Labcorp Genetics (formerly Invitae), Labcorp
Classification: Uncertain significance. Last evaluated: 2022-06-29. Review status: criteria provided, single submitter. Criteria: Invitae Variant Classification Sherloc (09022015). Collection method: clinical testing. Allele origin: germline.
Comment: This sequence change replaces leucine, which is neutral and non-polar, with valine, which is neutral and non-polar, at codon 2103 of the CEP250 protein (p.Leu2103Val). In summary, the available evidence is currently insufficient to determine the role of this variant in disease. Therefore, it has been classified as a Variant of Uncertain Significance. Algorithms developed to predict the effect of missense changes on protein structure and function output the following: SIFT: "Not Available"; PolyPhen-2: "Benign"; Align-GVGD: "Not Available". The valine amino acid residue is found in multiple mammalian species, which suggests that this missense change does not adversely affect protein function. ClinVar contains an entry for this variant (Variation ID: 1056433). This variant has not been reported in the literature in individuals affected with CEP250-related conditions. This variant is present in population databases (rs76891244, gnomAD 0.004%).

NM_007186.6(CEP250):c.6307C>G (p.Leu2103Val)

Gene: CEP250 (centrosomal protein 250; plus strand). Cytogenetic location: 20q11.22.
Variant type: single nucleotide variant.
Coding change: c.6307C>G on transcript NM_007186.6 (MANE Select); coding-DNA position 6307, C replaced by G.
Protein change: p.Leu2103Val; replaces leucine 2103 with valine.
Molecular consequence: missense variant.
Genome position (GRCh38, 1-based): chr20:35,504,676, C>G. VCF-style: chr20-35504676-C-G. GRCh37 (hg19) VCF-style: chr20-34092504-C-G.
Other names: c.4411C>G, p.Leu1471Val (NM_001318219.1); c.6307C>G (NM_007186.3, NM_007186.5); short protein forms L1471V, L2103V.
Identifiers: ClinVar variation 1056433 (VCV001056433.8), dbSNP rs76891244, ClinGen allele CA9834040.
Genomic context (GRCh38, chr20:35,504,676, plus strand): 5'-GAGAGAGAAGAGGAGGAGATAAGGGGCCTTCATCAGAGTGTAAGGGAGCTACAGCTGACT[C>G]TAGCCCAAAAGGAACAGGAGATTCTGGAGCTGAGGGAGACCCAGCAAAGGAACAACCTGG-3'
Protein context (NP_009117.2, residues 2093-2113): HQSVRELQLT[Leu2103Val]AQKEQEILEL